The following is an entry in ClinVar:

NM_006662.3(SRCAP):c.1165C>G (p.Arg389Gly)

Gene: SRCAP (Snf2 related CREBBP activator protein; plus strand). Cytogenetic location: 16p11.2.
Variant type: single nucleotide variant.
Coding change: c.1165C>G on transcript NM_006662.3 (MANE Select); coding-DNA position 1165, C replaced by G.
Protein change: p.Arg389Gly; replaces arginine 389 with glycine.
Molecular consequence: missense variant.
Genome position (GRCh38, 1-based): chr16:30,710,784, C>G. VCF-style: chr16-30710784-C-G. GRCh37 (hg19) VCF-style: chr16-30722105-C-G.
Other names: short protein forms R389G.
Identifiers: ClinVar variation 5037472 (VCV005037472.1).

ClinVar aggregate classification (germline): Uncertain significance (1 of 4 stars; one submission).

Submission:

GeneDx
Classification: Uncertain significance. Last evaluated: 2026-04-21. Review status: criteria provided, single submitter. Criteria: GeneDx Variant Classification Process June 2021. Collection method: clinical testing. Allele origin: germline.
Comment: Not observed at significant frequency in large population cohorts (gnomAD); In silico analysis supports that this missense variant has a deleterious effect on protein structure/function; Has not been previously published as pathogenic or benign to our knowledge; In silico analysis suggests this variant may impact gene splicing. In the absence of RNA/functional studies, the actual effect of this sequence change is unknown.